The following is an entry in ClinVar:

NM_014633.5(CTR9):c.3166G>T (p.Glu1056Ter)

Gene: CTR9 (CTR9 component of Paf1/RNA polymerase II complex; plus strand). Cytogenetic location: 11p15.4.
Variant type: single nucleotide variant.
Coding change: c.3166G>T on transcript NM_014633.5 (MANE Select); coding-DNA position 3166, G replaced by T.
Protein change: p.Glu1056Ter; replaces glutamic acid 1056 with a stop codon.
Molecular consequence: nonsense.
Genome position (GRCh38, 1-based): chr11:10,778,749, G>T. VCF-style: chr11-10778749-G-T. GRCh37 (hg19) VCF-style: chr11-10800296-G-T.
Other names: c.3094G>T, p.Glu1032Ter (NM_001346279.2); short protein forms E1032*, E1056*.
Identifiers: ClinVar variation 1391876 (VCV001391876.8), dbSNP rs2135389141, ClinGen allele CA379679172.

ClinVar aggregate classification (germline): Uncertain significance (1 of 4 stars; one submission).

Submission:

Labcorp Genetics (formerly Invitae), Labcorp
Classification: Uncertain significance. Last evaluated: 2021-01-30. Review status: criteria provided, single submitter. Criteria: Invitae Variant Classification Sherloc (09022015). Collection method: clinical testing. Allele origin: germline.
Comment: In summary, the available evidence is currently insufficient to determine the role of this variant in disease. Therefore, it has been classified as a Variant of Uncertain Significance. Experimental studies and prediction algorithms are not available or were not evaluated, and the functional significance of this variant is currently unknown. This variant has not been reported in the literature in individuals with CTR9-related conditions. This variant is not present in population databases (ExAC no frequency). This sequence change creates a premature translational stop signal (p.Glu1056*) in the CTR9 gene. While this is not anticipated to result in nonsense mediated decay, it is expected to disrupt the last 118 amino acid(s) of the CTR9 protein.